The following is an entry in ClinVar:

ClinVar aggregate classification (germline): Uncertain significance (1 of 4 stars; one submission).

Submission:

Women's Health and Genetics/Laboratory Corporation of America, LabCorp
Classification: Uncertain significance. Last evaluated: 2026-06-22. Review status: criteria provided, single submitter. Criteria: LabCorp Variant Classification Summary - May 2015. Collection method: clinical testing. Allele origin: germline.
Comment: Variant summary: DLL1 c.1006C>T (p.Pro336Ser) results in a non-conservative amino acid change in the encoded protein sequence. Algorithms developed to predict the effect of missense changes on protein structure and function all suggest that this variant is likely to be disruptive. The variant was absent in 251302 control chromosomes. The available data on variant occurrences in the general population are insufficient to allow any conclusion about variant significance. To our knowledge, no occurrence of c.1006C>T in individuals affected with DLL1-related conditions and no experimental evidence demonstrating its impact on protein function have been reported. No submitters have cited clinical-significance assessments for this variant to ClinVar. Based on the evidence outlined above, the variant was classified as uncertain significance.

NM_005618.4(DLL1):c.1006C>T (p.Pro336Ser)

Gene: DLL1 (delta like canonical Notch ligand 1; minus strand). Cytogenetic location: 6q27.
Variant type: single nucleotide variant.
Coding change: c.1006C>T on transcript NM_005618.4 (MANE Select); coding-DNA position 1006, C replaced by T.
Protein change: p.Pro336Ser; replaces proline 336 with serine.
Molecular consequence: missense variant.
Genome position (GRCh38, 1-based): chr6:170,285,280, G>A on the plus strand (C>T on the coding strand, the complement: DLL1 is on the minus strand). VCF-style: chr6-170285280-G-A. GRCh37 (hg19) VCF-style: chr6-170594368-G-A.
Other names: short protein forms P336S.
Identifiers: ClinVar variation 4887760 (VCV004887760.1).